The following is an entry in ClinVar:

ClinVar aggregate classification (germline): Uncertain significance. Review status: criteria provided, multiple submitters, no conflicts (2 of 4 stars). 4 submissions from 4 submitters: Uncertain significance (3). 1 of the submissions does not count toward it. Last evaluated 2024-05-03.

Conditions:
Hereditary cancer-predisposing syndrome. Also called: Neoplastic Syndromes, Hereditary; Hereditary Cancer Syndrome; Tumor predisposition; Hereditary neoplastic syndrome. Identifiers: Orphanet 140162, MedGen C0027672, MeSH D009386, MONDO:0015356.
Ataxia-telangiectasia syndrome (AT). Also called: LOUIS-BAR SYNDROME; Cerebello-oculocutaneous telangiectasia; Immunodeficiency with ataxia telangiectasia; Ataxia-telangiectasia, complementation group D; AT, COMPLEMENTATION GROUP C; Ataxia-telangiectasia, complementation group E. Identifiers: Orphanet 100, MedGen C0004135, MONDO:0008840, OMIM 208900.

Allele frequency attached by ClinVar (database versions not stated): gnomAD 0.00001; TOPMed below 0.00001.
gnomAD v4.1: 1 of 1,611,288 alleles (0.000062%); highest among the groups gnomAD compares: African/African-American, 0.0013%; no homozygotes.

Submissions (4):

Color Diagnostics, LLC DBA Color Health
Classification: Uncertain significance for Hereditary cancer-predisposing syndrome. Last evaluated: 2024-05-03. Review status: criteria provided, single submitter. Criteria: ACMG Guidelines, 2015. Collection method: clinical testing. Allele origin: germline.
Comment: This missense variant replaces threonine with serine at codon 2122 of the ATM protein. Computational prediction suggests that this variant may not impact protein structure and function. To our knowledge, functional studies have not been reported for this variant. This variant has not been reported in individuals affected with ATM-related disorders in the literature. This variant has not been identified in the general population by the Genome Aggregation Database (gnomAD). The available evidence is insufficient to determine the role of this variant in disease conclusively. Therefore, this variant is classified as a Variant of Uncertain Significance.

Ambry Genetics
Classification: Uncertain significance for Hereditary cancer-predisposing syndrome. Last evaluated: 2023-09-06. Review status: criteria provided, single submitter. Criteria: Ambry Variant Classification Scheme 2023. Collection method: clinical testing. Allele origin: germline.
Comment: The p.T2122S variant (also known as c.6365C>G), located in coding exon 43 of the ATM gene, results from a C to G substitution at nucleotide position 6365. The threonine at codon 2122 is replaced by serine, an amino acid with similar properties. This amino acid position is conserved. In addition, this alteration is predicted to be tolerated by in silico analysis. Since supporting evidence is limited at this time, the clinical significance of this alteration remains unclear.

Labcorp Genetics (formerly Invitae), Labcorp
Classification: Uncertain significance for Ataxia-telangiectasia syndrome. Last evaluated: 2021-09-01. Review status: criteria provided, single submitter. Criteria: Invitae Variant Classification Sherloc (09022015). Collection method: clinical testing. Allele origin: germline.
Comment: This sequence change replaces threonine with serine at codon 2122 of the ATM protein (p.Thr2122Ser). The threonine residue is weakly conserved and there is a small physicochemical difference between threonine and serine. This variant is not present in population databases (ExAC no frequency). This variant has not been reported in the literature in individuals affected with ATM-related conditions. Algorithms developed to predict the effect of missense changes on protein structure and function output the following: SIFT: "Tolerated"; PolyPhen-2: "Benign"; Align-GVGD: "Class C0". The serine amino acid residue is found in multiple mammalian species, which suggests that this missense change does not adversely affect protein function. In summary, the available evidence is currently insufficient to determine the role of this variant in disease. Therefore, it has been classified as a Variant of Uncertain Significance.

Natera, Inc.
Classification: Uncertain significance for Ataxia-telangiectasia. Last evaluated: 2020-02-21. Review status: no assertion criteria provided. Collection method: clinical testing. Allele origin: germline. Not counted in ClinVar's aggregate classification.

NM_000051.4(ATM):c.6365C>G (p.Thr2122Ser)

Genes: C11orf65 (chromosome 11 open reading frame 65; minus strand), ATM (ATM serine/threonine kinase; plus strand). Cytogenetic location: 11q22.3.
Variant type: single nucleotide variant.
Coding change: c.6365C>G on transcript NM_000051.4 (MANE Select); coding-DNA position 6365, C replaced by G.
Protein change: p.Thr2122Ser; replaces threonine 2122 with serine.
Molecular consequence: missense variant. On other transcripts: intron variant (2).
Genome position (GRCh38, 1-based): chr11:108,319,971, C>G. VCF-style: chr11-108319971-C-G. GRCh37 (hg19) VCF-style: chr11-108190698-C-G.
Other names: c.6365C>G, p.Thr2122Ser (NM_001351834.2); c.641-10900G>C (NM_001330368.2); c.*39-10900G>C (NM_001351110.2); short protein forms T2122S.
Identifiers: ClinVar variation 453625 (VCV000453625.18), dbSNP rs1555116369, ClinGen allele CA382553215.